The following is an entry in ClinVar:

ClinVar aggregate classification (germline): Uncertain significance (1 of 4 stars; one submission).

Submission:

Labcorp Genetics (formerly Invitae), Labcorp
Classification: Uncertain significance. Last evaluated: 2024-10-20. Review status: criteria provided, single submitter. Criteria: Invitae Variant Classification Sherloc (09022015). Collection method: clinical testing. Allele origin: germline.
Comment: This sequence change replaces alanine, which is neutral and non-polar, with aspartic acid, which is acidic and polar, at codon 2341 of the FAT2 protein (p.Ala2341Asp). This variant is not present in population databases (gnomAD no frequency). This variant has not been reported in the literature in individuals affected with FAT2-related conditions. Invitae Evidence Modeling of protein sequence and biophysical properties (such as structural, functional, and spatial information, amino acid conservation, physicochemical variation, residue mobility, and thermodynamic stability) indicates that this missense variant is not expected to disrupt FAT2 protein function with a negative predictive value of 80%. In summary, the available evidence is currently insufficient to determine the role of this variant in disease. Therefore, it has been classified as a Variant of Uncertain Significance.

NM_001447.3(FAT2):c.7022C>A (p.Ala2341Asp)

Genes: FAT2 (FAT atypical cadherin 2; minus strand), SLC36A1 (solute carrier family 36 member 1; plus strand). Cytogenetic location: 5q33.1.
Variant type: single nucleotide variant.
Coding change: c.7022C>A on transcript NM_001447.3 (MANE Select); coding-DNA position 7022, C replaced by A.
Protein change: p.Ala2341Asp; replaces alanine 2341 with aspartic acid.
Molecular consequence: missense variant.
Genome position (GRCh38, 1-based): chr5:151,544,105, G>T on the plus strand (C>A on the coding strand, the complement: FAT2 is on the minus strand). VCF-style: chr5-151544105-G-T. GRCh37 (hg19) VCF-style: chr5-150923666-G-T.
Other names: short protein forms A2341D.
Identifiers: ClinVar variation 3675954 (VCV003675954.2).